The following is an entry in ClinVar:

ClinVar aggregate classification (germline): Uncertain significance (1 of 4 stars; one submission).

Conditions:
Colorectal cancer, hereditary nonpolyposis, type 7. Identifiers: Orphanet 144, MedGen C1858380, MONDO:0013725, OMIM 614385.

Allele frequency attached by ClinVar (database versions not stated): gnomAD exomes below 0.00001.
gnomAD v4.1: 1 of 1,613,912 alleles (0.000062%); highest among the groups gnomAD compares: Non-Finnish European, 0.000085%; no homozygotes.

Submission:

Labcorp Genetics (formerly Invitae), Labcorp
Classification: Uncertain significance for Colorectal cancer, hereditary nonpolyposis, type 7. Last evaluated: 2024-04-05. Review status: criteria provided, single submitter. Criteria: Invitae Variant Classification Sherloc (09022015). Collection method: clinical testing. Allele origin: germline.
Comment: This sequence change replaces arginine, which is basic and polar, with lysine, which is basic and polar, at codon 224 of the MLH3 protein (p.Arg224Lys). This variant is present in population databases (no rsID available, gnomAD 0.0009%). This variant has not been reported in the literature in individuals affected with MLH3-related conditions. ClinVar contains an entry for this variant (Variation ID: 2042587). Algorithms developed to predict the effect of missense changes on protein structure and function output the following: SIFT: "Not Available"; PolyPhen-2: "Benign"; Align-GVGD: "Not Available". The lysine amino acid residue is found in multiple mammalian species, which suggests that this missense change does not adversely affect protein function. In summary, the available evidence is currently insufficient to determine the role of this variant in disease. Therefore, it has been classified as a Variant of Uncertain Significance.

NM_001040108.2(MLH3):c.671G>A (p.Arg224Lys)

Gene: MLH3 (mutL homolog 3; minus strand). Cytogenetic location: 14q24.3.
Variant type: single nucleotide variant.
Coding change: c.671G>A on transcript NM_001040108.2 (MANE Select); coding-DNA position 671, G replaced by A.
Protein change: p.Arg224Lys; replaces arginine 224 with lysine.
Molecular consequence: missense variant.
Genome position (GRCh38, 1-based): chr14:75,048,985, C>T on the plus strand (G>A on the coding strand, the complement: MLH3 is on the minus strand). VCF-style: chr14-75048985-C-T. GRCh37 (hg19) VCF-style: chr14-75515688-C-T.
Other names: c.671G>A, p.Arg224Lys (NM_014381.3); short protein forms R224K.
Identifiers: ClinVar variation 2042587 (VCV002042587.4), dbSNP rs1381457653, ClinGen allele CA390449651.
Genomic context (GRCh38, chr14:75,048,985, plus strand): 5'-TGTGCTTCAGAGCTGATATAGCCACTAAGCTCAAACTCTTTATATTTAAAACTTATTTCT[C>T]TTAGCTTTTGGGACTTTCCCAATCCATAAATTTGACAAAATCGGGAACATACGTCTTTGG-3'
Protein context (NP_001035197.1, residues 214-234): IYGLGKSQKL[Arg224Lys]EISFKYKEFE